The following is an entry in ClinVar:

ClinVar aggregate classification (germline): Conflicting classifications of pathogenicity. Review status: criteria provided, conflicting classifications (1 of 4 stars). 2 submissions from 2 submitters: Pathogenic (1); Uncertain significance (1). Last evaluated 2024-06-19.

Conditions:
MYL3-related disorder. Also called: MYL3-related condition.
Hypertrophic cardiomyopathy. Also called: HYPERTROPHIC MYOCARDIOPATHY. Identifiers: Orphanet 217569, MedGen C0007194, MeSH D002312, MONDO:0005045, HP:0001639.

Allele frequency attached by ClinVar (database versions not stated): gnomAD exomes below 0.00001; TOPMed below 0.00001.
gnomAD v4.1: 1 of 1,614,224 alleles (0.000062%); highest among the groups gnomAD compares: Non-Finnish European, 0.000085%; no homozygotes.

Submissions (2):

Blueprint Genetics
Classification: Pathogenic for MYL3-related disorders. Last evaluated: 2024-06-19. Review status: criteria provided, single submitter. Criteria: ACMG Guidelines, 2015. Collection method: clinical testing. Allele origin: germline. Affected: yes. Observed: 5 variant alleles.

Labcorp Genetics (formerly Invitae), Labcorp
Classification: Uncertain significance for Hypertrophic cardiomyopathy. Last evaluated: 2022-06-09. Review status: criteria provided, single submitter. Criteria: Invitae Variant Classification Sherloc (09022015). Collection method: clinical testing. Allele origin: germline.
Comment: This sequence change replaces glycine, which is neutral and non-polar, with aspartic acid, which is acidic and polar, at codon 128 of the MYL3 protein (p.Gly128Asp). This variant is not present in population databases (gnomAD no frequency). This missense change has been observed in individual(s) with hypertrophic cardiomyopathy (PMID: 27532257, 30165862, 33673806). ClinVar contains an entry for this variant (Variation ID: 222736). In summary, the available evidence is currently insufficient to determine the role of this variant in disease. Therefore, it has been classified as a Variant of Uncertain Significance. Algorithms developed to predict the effect of missense changes on protein structure and function are either unavailable or do not agree on the potential impact of this missense change (SIFT: "Deleterious"; PolyPhen-2: "Probably Damaging"; Align-GVGD: "Class C15").

Literature cited by the submitters: PubMed 27532257 (cited by Labcorp Genetics (formerly Invitae), Labcorp); PubMed 30165862 (cited by Labcorp Genetics (formerly Invitae), Labcorp); PubMed 33673806 (cited by Labcorp Genetics (formerly Invitae), Labcorp).

NM_000258.3(MYL3):c.383G>A (p.Gly128Asp)

Gene: MYL3 (myosin light chain 3; minus strand). Cytogenetic location: 3p21.31.
Variant type: single nucleotide variant.
Coding change: c.383G>A on transcript NM_000258.3 (MANE Select); coding-DNA position 383, G replaced by A.
Protein change: p.Gly128Asp; replaces glycine 128 with aspartic acid.
Molecular consequence: missense variant.
Genome position (GRCh38, 1-based): chr3:46,859,573, C>T on the plus strand (G>A on the coding strand, the complement: MYL3 is on the minus strand). VCF-style: chr3-46859573-C-T. GRCh37 (hg19) VCF-style: chr3-46901063-C-T.
Other names: short protein forms G128D.
Identifiers: ClinVar variation 222736 (VCV000222736.7), dbSNP rs869025485, ClinGen allele CA351912.